The following is an entry in ClinVar:

ClinVar aggregate classification (germline): Uncertain significance. Review status: criteria provided, multiple submitters, no conflicts (2 of 4 stars). 2 submissions from 2 submitters: Uncertain significance (2). Last evaluated 2024-06-11.

Conditions:
Pyruvate carboxylase deficiency. Also called: ATAXIA WITH LACTIC ACIDOSIS II; Pyruvate Carboxylase Deficiency Disease; LEIGH NECROTIZING ENCEPHALOPATHY DUE TO PYRUVATE CARBOXYLASE DEFICIENCY; LEIGH SYNDROME DUE TO PYRUVATE CARBOXYLASE DEFICIENCY; PC DEFICIENCY. Identifiers: Orphanet 3008, MedGen C0034341, MONDO:0009949, OMIM 266150.

Allele frequency attached by ClinVar (database versions not stated): gnomAD exomes below 0.00001.
gnomAD v4.1: 6 of 1,610,578 alleles (0.00037%); highest among the groups gnomAD compares: Non-Finnish European, 0.00042%; no homozygotes.

Submissions (2):

Blueprint Genetics
Classification: Uncertain significance. Last evaluated: 2024-06-11. Review status: criteria provided, single submitter. Criteria: ACMG Guidelines, 2015. Collection method: clinical testing. Allele origin: germline.

Labcorp Genetics (formerly Invitae), Labcorp
Classification: Uncertain significance for Pyruvate carboxylase deficiency. Last evaluated: 2022-03-26. Review status: criteria provided, single submitter. Criteria: Invitae Variant Classification Sherloc (09022015). Collection method: clinical testing. Allele origin: germline.
Comment: This sequence change replaces arginine, which is basic and polar, with glutamine, which is neutral and polar, at codon 453 of the PC protein (p.Arg453Gln). This variant is not present in population databases (gnomAD no frequency). This variant has not been reported in the literature in individuals affected with PC-related conditions. Algorithms developed to predict the effect of missense changes on protein structure and function are either unavailable or do not agree on the potential impact of this missense change (SIFT: "Deleterious"; PolyPhen-2: "Probably Damaging"; Align-GVGD: "Class C0"). Algorithms developed to predict the effect of sequence changes on RNA splicing suggest that this variant may create or strengthen a splice site. In summary, the available evidence is currently insufficient to determine the role of this variant in disease. Therefore, it has been classified as a Variant of Uncertain Significance.

NM_001040716.2(PC):c.1358G>A (p.Arg453Gln)

Gene: PC (pyruvate carboxylase; minus strand). Cytogenetic location: 11q13.2.
Variant type: single nucleotide variant.
Coding change: c.1358G>A on transcript NM_001040716.2 (MANE Select); coding-DNA position 1358, G replaced by A.
Protein change: p.Arg453Gln; replaces arginine 453 with glutamine.
Molecular consequence: missense variant.
Genome position (GRCh38, 1-based): chr11:66,863,784, C>T on the plus strand (G>A on the coding strand, the complement: PC is on the minus strand). VCF-style: chr11-66863784-C-T. GRCh37 (hg19) VCF-style: chr11-66631255-C-T.
Other names: c.1358G>A, p.Arg453Gln (NM_000920.4, NM_022172.3); short protein forms R453Q.
Identifiers: ClinVar variation 2193075 (VCV002193075.2), dbSNP rs2495672122, ClinGen allele CA381497788.